The following is an entry in ClinVar:

NM_000038.6(APC):c.2764C>G (p.Leu922Val)

Gene: APC (APC regulator of Wnt signaling pathway; plus strand). Cytogenetic location: 5q22.2.
Variant type: single nucleotide variant.
Coding change: c.2764C>G on transcript NM_000038.6 (MANE Select); coding-DNA position 2764, C replaced by G.
Protein change: p.Leu922Val; replaces leucine 922 with valine.
Molecular consequence: missense variant. On other transcripts: non-coding transcript variant (2).
Genome position (GRCh38, 1-based): chr5:112,838,358, C>G. VCF-style: chr5-112838358-C-G. GRCh37 (hg19) VCF-style: chr5-112174055-C-G.
Other names: c.2641C>G, p.Leu881Val (NM_001354900.2); c.2587C>G, p.Leu863Val (NM_001354901.2, NM_001407453.1); c.2491C>G, p.Leu831Val (NM_001354902.2); c.2461C>G, p.Leu821Val (NM_001354903.2, NM_001407458.1, NM_001407459.1 and 1 more transcripts); c.2386C>G, p.Leu796Val (NM_001354904.2); c.2284C>G, p.Leu762Val (NM_001354905.2); c.1915C>G, p.Leu639Val (NM_001354906.2, NM_001407470.1); c.2848C>G, p.Leu950Val (NM_001407446.1); and 11 more; short protein forms L897V, L912V, L639V, L796V, L821V, L831V, L839V, L881V.
Identifiers: ClinVar variation 4120464 (VCV004120464.1).
Genomic context (GRCh38, chr5:112,838,358, plus strand): 5'-GAAGACAGAAGTTCTGGGTCTACCACTGAATTACATTGTGTGACAGATGAGAGAAATGCA[C>G]TTAGAAGAAGCTCTGCTGCCCATACACATTCAAACACTTACAATTTCACTAAGTCGGAAA-3'
Protein context (NP_000029.2, residues 912-932): LHCVTDERNA[Leu922Val]RRSSAAHTHS

ClinVar aggregate classification (germline): Uncertain significance (1 of 4 stars; one submission).

Conditions:
Hereditary cancer-predisposing syndrome. Also called: Hereditary neoplastic syndrome; Neoplastic Syndromes, Hereditary; Tumor predisposition; Hereditary Cancer Syndrome. Identifiers: Orphanet 140162, MedGen C0027672, MeSH D009386, MONDO:0015356.

Submission:

Ambry Genetics
Classification: Uncertain significance for Hereditary cancer-predisposing syndrome. Last evaluated: 2025-06-19. Review status: criteria provided, single submitter. Criteria: Ambry Variant Classification Scheme 2023. Collection method: clinical testing. Allele origin: germline.
Comment: The p.L922V variant (also known as c.2764C>G), located in coding exon 15 of the APC gene, results from a C to G substitution at nucleotide position 2764. The leucine at codon 922 is replaced by valine, an amino acid with highly similar properties. This amino acid position is conserved. In addition, in silico predictors for this gene do not accurately predict pathogenicity. Based on the available evidence, the clinical significance of this variant remains unclear.